The following is an entry in ClinVar:

ClinVar aggregate classification (germline): Uncertain significance (1 of 4 stars; one submission).

Conditions:
Familial dysfibrinogenemia. Also called: Dysfibrinogenemia, congenital. Identifiers: Orphanet 335, Orphanet 98881, MedGen C0272350, MONDO:0014452, OMIM 616004.

Allele frequency attached by ClinVar (database versions not stated): gnomAD exomes below 0.00001.
gnomAD v4.1: 1 of 1,569,764 alleles (0.000064%); highest among the groups gnomAD compares: Non-Finnish European, 0.000088%; no homozygotes.

Submission:

Centre of Medical Genetics, University Hospital Muenster
Classification: Uncertain significance for Familial dysfibrinogenemia. Last evaluated: 2022-01-20. Review status: criteria provided, single submitter. Criteria: ACMG Guidelines, 2015. Collection method: clinical testing. Allele origin: germline. Affected: yes. Observed: 1 variant allele, 1 heterozygote.
Comment: ACMG categories: PM2,PP3

NM_005141.5(FGB):c.811G>T (p.Asp271Tyr)

Gene: FGB (fibrinogen beta chain; plus strand). Cytogenetic location: 4q31.3.
Variant type: single nucleotide variant.
Coding change: c.811G>T on transcript NM_005141.5 (MANE Select); coding-DNA position 811, G replaced by T.
Protein change: p.Asp271Tyr; replaces aspartic acid 271 with tyrosine.
Molecular consequence: missense variant. On other transcripts: intron variant (1).
Genome position (GRCh38, 1-based): chr4:154,568,473, G>T. VCF-style: chr4-154568473-G-T. GRCh37 (hg19) VCF-style: chr4-155489625-G-T.
Other names: c.634G>T, p.Asp212Tyr (NM_001184741.1); c.679G>T, p.Asp227Tyr (NM_001382759.1); c.811G>T, p.Asp271Tyr (NM_001382760.1, NM_001382761.1, NM_001382763.1 and 2 more transcripts); c.745+66G>T (NM_001382762.1); short protein forms D212Y, D227Y, D271Y.
Identifiers: ClinVar variation 1675187 (VCV001675187.2), dbSNP rs913936601, ClinGen allele CA108751052.
Genomic context (GRCh38, chr4:154,568,473, plus strand): 5'-ACATCTGAAATGTATCTCATTCAACCTGACAGTTCTGTCAAACCGTATAGAGTATACTGT[G>T]ACATGAATACAGAAAATGGAGGTAAGCTTTCGACAGTTGTTGACCTGTTGATCTGTAATT-3'
Protein context (NP_005132.2, residues 261-281): SSVKPYRVYC[Asp271Tyr]MNTENGGWTV